The following is an entry in ClinVar:

ClinVar aggregate classification (germline): Uncertain significance (1 of 4 stars; one submission).

Allele frequency attached by ClinVar (database versions not stated): TOPMed 0.00002; gnomAD exomes 0.00003; gnomAD 0.00005; ExAC 0.00006; 1000 Genomes Project 30x 0.00016; 1000 Genomes Project 0.00020.
gnomAD v4.1: 53 of 1,602,622 alleles (0.0033%); highest among the groups gnomAD compares: Non-Finnish European, 0.0043%; no homozygotes.

Submission:

Labcorp Genetics (formerly Invitae), Labcorp
Classification: Uncertain significance. Last evaluated: 2022-03-12. Review status: criteria provided, single submitter. Criteria: Invitae Variant Classification Sherloc (09022015). Collection method: clinical testing. Allele origin: germline.
Comment: This sequence change replaces aspartic acid, which is acidic and polar, with asparagine, which is neutral and polar, at codon 6 of the CARMIL2 protein (p.Asp6Asn). This variant is present in population databases (rs150240090, gnomAD 0.005%). This variant has not been reported in the literature in individuals affected with CARMIL2-related conditions. Algorithms developed to predict the effect of missense changes on protein structure and function are either unavailable or do not agree on the potential impact of this missense change (SIFT: "Tolerated"; PolyPhen-2: "Possibly Damaging"; Align-GVGD: "Class C0"). In summary, the available evidence is currently insufficient to determine the role of this variant in disease. Therefore, it has been classified as a Variant of Uncertain Significance.

NM_001013838.3(CARMIL2):c.16G>A (p.Asp6Asn)

Gene: CARMIL2 (capping protein regulator and myosin 1 linker 2; plus strand). Cytogenetic location: 16q22.1.
Variant type: single nucleotide variant.
Coding change: c.16G>A on transcript NM_001013838.3 (MANE Select); coding-DNA position 16, G replaced by A.
Protein change: p.Asp6Asn; replaces aspartic acid 6 with asparagine.
Molecular consequence: missense variant.
Genome position (GRCh38, 1-based): chr16:67,645,262, G>A. VCF-style: chr16-67645262-G-A. GRCh37 (hg19) VCF-style: chr16-67679165-G-A.
Other names: c.16G>A, p.Asp6Asn (NM_001317026.3); short protein forms D6N.
Identifiers: ClinVar variation 1901141 (VCV001901141.2), dbSNP rs150240090, ClinGen allele CA8112899.